The following is an entry in ClinVar:

NM_001370298.3(FGD4):c.685G>A (p.Gly229Ser)

Gene: FGD4 (FYVE, RhoGEF and PH domain containing 4; plus strand). Cytogenetic location: 12p11.21.
Variant type: single nucleotide variant.
Coding change: c.685G>A on transcript NM_001370298.3 (MANE Select); coding-DNA position 685, G replaced by A.
Protein change: p.Gly229Ser; replaces glycine 229 with serine.
Molecular consequence: missense variant. On other transcripts: 5 prime UTR variant (5), non-coding transcript variant (1), intron variant (1).
Genome position (GRCh38, 1-based): chr12:32,582,141, G>A. VCF-style: chr12-32582141-G-A. GRCh37 (hg19) VCF-style: chr12-32735075-G-A.
Other names: c.529G>A, p.Gly177Ser (NM_001304481.2); c.-571G>A (NM_001304483.2); c.-878G>A (NM_001304484.2); c.-6G>A (NM_001330373.2, NM_001330374.2, NM_001384130.1); c.685G>A, p.Gly229Ser (NM_001384126.1); c.274G>A, p.Gly92Ser (NM_001384127.1, NM_001384128.1, NM_001384131.1 and 3 more transcripts); c.49-16356G>A (NM_001370297.1); short protein forms G177S, G229S, G92S.
Identifiers: ClinVar variation 1946054 (VCV001946054.5), dbSNP rs1179857200, ClinGen allele CA384355899.
Genomic context (GRCh38, chr12:32,582,141, plus strand): 5'-CCACAGAGGCAGGGAAATGATACAGATAAGACTCAGGGTGCACAGACTTGTGTGGCCAAC[G>A]GTGTAATGGCAGCACAAAACCAGATGGAATGTGAGGAGGAGAAAGCTGCCACTCTTAGCT-3'
Protein context (NP_001357227.2, residues 219-239): TQGAQTCVAN[Gly229Ser]VMAAQNQMEC

ClinVar aggregate classification (germline): Uncertain significance (1 of 4 stars; one submission).

Conditions:
Charcot-Marie-Tooth disease type 4. Also called: Charcot-Marie-Tooth disease, type IV; Charcot-Marie-Tooth, Type 4. Identifiers: Orphanet 64749, MedGen C4082197, MONDO:0018995.

Allele frequency attached by ClinVar (database versions not stated): gnomAD exomes below 0.00001; TOPMed below 0.00001; gnomAD 0.00001.

Submission:

Labcorp Genetics (formerly Invitae), Labcorp
Classification: Uncertain significance for Charcot-Marie-Tooth disease type 4. Last evaluated: 2022-03-18. Review status: criteria provided, single submitter. Criteria: Invitae Variant Classification Sherloc (09022015). Collection method: clinical testing. Allele origin: germline.
Comment: This sequence change replaces glycine, which is neutral and non-polar, with serine, which is neutral and polar, at codon 92 of the FGD4 protein (p.Gly92Ser). This variant is not present in population databases (gnomAD no frequency). This variant has not been reported in the literature in individuals affected with FGD4-related conditions. Algorithms developed to predict the effect of missense changes on protein structure and function (SIFT, PolyPhen-2, Align-GVGD) all suggest that this variant is likely to be disruptive. In summary, the available evidence is currently insufficient to determine the role of this variant in disease. Therefore, it has been classified as a Variant of Uncertain Significance.